The following is an entry in ClinVar:

NM_001330311.2(DVL1):c.1928C>T (p.Pro643Leu)

Gene: DVL1 (dishevelled segment polarity protein 1; minus strand). Cytogenetic location: 1p36.33.
Variant type: single nucleotide variant.
Coding change: c.1928C>T on transcript NM_001330311.2 (MANE Select); coding-DNA position 1928, C replaced by T.
Protein change: p.Pro643Leu; replaces proline 643 with leucine.
Molecular consequence: missense variant.
Genome position (GRCh38, 1-based): chr1:1,336,302, G>A on the plus strand (C>T on the coding strand, the complement: DVL1 is on the minus strand). VCF-style: chr1-1336302-G-A. GRCh37 (hg19) VCF-style: chr1-1271682-G-A.
Other names: c.1853C>T, p.Pro618Leu (NM_004421.3); short protein forms P643L, P618L.
Identifiers: ClinVar variation 1987980 (VCV001987980.4), dbSNP rs780834482, ClinGen allele CA519771.

ClinVar aggregate classification (germline): Uncertain significance (1 of 4 stars; one submission).

Allele frequency attached by ClinVar (database versions not stated): gnomAD 0.00006; TOPMed 0.00007.
gnomAD v4.1: 22 of 1,562,320 alleles (0.0014%); highest among the groups gnomAD compares: African/African-American, 0.013%; no homozygotes.

Submission:

Labcorp Genetics (formerly Invitae), Labcorp
Classification: Uncertain significance. Last evaluated: 2022-01-20. Review status: criteria provided, single submitter. Criteria: Invitae Variant Classification Sherloc (09022015). Collection method: clinical testing. Allele origin: germline.
Comment: In summary, the available evidence is currently insufficient to determine the role of this variant in disease. Therefore, it has been classified as a Variant of Uncertain Significance. Algorithms developed to predict the effect of missense changes on protein structure and function are either unavailable or do not agree on the potential impact of this missense change (SIFT: "Deleterious"; PolyPhen-2: "Not Available"; Align-GVGD: "Class C0"). This variant has not been reported in the literature in individuals affected with DVL1-related conditions. The frequency data for this variant in the population databases is considered unreliable, as metrics indicate poor data quality at this position in the gnomAD database. This sequence change replaces proline, which is neutral and non-polar, with leucine, which is neutral and non-polar, at codon 618 of the DVL1 protein (p.Pro618Leu).